The following is an entry in ClinVar:

ClinVar aggregate classification (germline): Uncertain significance (1 of 4 stars; one submission).

Conditions:
Cardiovascular phenotype. Identifiers: MedGen CN230736.

Submission:

Ambry Genetics
Classification: Uncertain significance for Cardiovascular phenotype. Last evaluated: 2025-09-18. Review status: criteria provided, single submitter. Criteria: Ambry Variant Classification Scheme 2023. Collection method: clinical testing. Allele origin: germline.
Comment: The p.P93S variant (also known as c.277C>T), located in coding exon 2 of the MAP2K2 gene, results from a C to T substitution at nucleotide position 277. The proline at codon 93 is replaced by serine, an amino acid with similar properties. This amino acid position is conserved. In addition, the in silico prediction for this alteration is inconclusive. Based on the available evidence, the clinical significance of this variant remains unclear.

NM_030662.4(MAP2K2):c.277C>T (p.Pro93Ser)

Gene: MAP2K2 (mitogen-activated protein kinase kinase 2; minus strand). Cytogenetic location: 19p13.3.
Variant type: single nucleotide variant.
Coding change: c.277C>T on transcript NM_030662.4 (MANE Select); coding-DNA position 277, C replaced by T.
Protein change: p.Pro93Ser; replaces proline 93 with serine.
Molecular consequence: missense variant.
Genome position (GRCh38, 1-based): chr19:4,117,445, G>A on the plus strand (C>T on the coding strand, the complement: MAP2K2 is on the minus strand). VCF-style: chr19-4117445-G-A. GRCh37 (hg19) VCF-style: chr19-4117443-G-A.
Other names: c.277C>T, p.Pro93Ser (NM_001440688.1); short protein forms P93S.
Identifiers: ClinVar variation 4614559 (VCV004614559.1).
Genomic context (GRCh38, chr19:4,117,445, plus strand): 5'-CACTCCCCGACCTCCCCGACCCCGCAGTGCTCACCTTCCTGGCCATGATGAGGCCCGAGG[G>A]TCTGTGCTGGACTTTGGTGACCACCCCGCCGTTGCCCGCGCCCAGCTCTGAGATCCTTTC-3'
Protein context (NP_109587.1, residues 83-103): GGVVTKVQHR[Pro93Ser]SGLIMARKLI